The following is an entry in ClinVar:

ClinVar aggregate classification (germline): Uncertain significance (1 of 4 stars; one submission).

Conditions:
Developmental and epileptic encephalopathy, 37 (DEE37). Also called: Epileptic encephalopathy, early infantile, 37. Identifiers: MedGen C4310770, MONDO:0014859, OMIM 616981.

gnomAD v4.1: 5 of 1,364,942 alleles (0.00037%); highest among the groups gnomAD compares: African/African-American, 0.0076%; no homozygotes.

Submission:

Labcorp Genetics (formerly Invitae), Labcorp
Classification: Uncertain significance for Developmental and epileptic encephalopathy, 37. Last evaluated: 2022-03-19. Review status: criteria provided, single submitter. Criteria: Invitae Variant Classification Sherloc (09022015). Collection method: clinical testing. Allele origin: germline.
Comment: This sequence change replaces glycine, which is neutral and non-polar, with valine, which is neutral and non-polar, at codon 22 of the FRRS1L protein (p.Gly22Val). This variant is present in population databases (no rsID available, gnomAD 0.02%). This variant has not been reported in the literature in individuals affected with FRRS1L-related conditions. Algorithms developed to predict the effect of missense changes on protein structure and function are either unavailable or do not agree on the potential impact of this missense change (SIFT: "Deleterious"; PolyPhen-2: "Not Available"; Align-GVGD: "Class C0"). In summary, the available evidence is currently insufficient to determine the role of this variant in disease. Therefore, it has been classified as a Variant of Uncertain Significance.

NM_014334.4(FRRS1L):c.-89G>T

Gene: FRRS1L (ferric chelate reductase 1 like; minus strand). Cytogenetic location: 9q31.3.
Variant type: single nucleotide variant.
Coding change: c.-89G>T on transcript NM_014334.4 (MANE Select); 89 bases upstream of the start codon, G replaced by T.
Molecular consequence: 5 prime UTR variant.
Genome position (GRCh38, 1-based): chr9:109,167,227, C>A on the plus strand (G>T on the coding strand, the complement: FRRS1L is on the minus strand). VCF-style: chr9-109167227-C-A. GRCh37 (hg19) VCF-style: chr9-111929507-C-A.
Identifiers: ClinVar variation 1489013 (VCV001489013.5), dbSNP rs1456606381, ClinGen allele CA374431026.